The following is an entry in ClinVar:

ClinVar aggregate classification (germline): Pathogenic (1 of 4 stars; one submission).

Submission:

Labcorp Genetics (formerly Invitae), Labcorp
Classification: Pathogenic. Last evaluated: 2023-09-30. Review status: criteria provided, single submitter. Criteria: Invitae Variant Classification Sherloc (09022015). Collection method: clinical testing. Allele origin: germline.
Comment: For these reasons, this variant has been classified as Pathogenic. This variant disrupts the p.Cys468 amino acid residue in COMP. Other variant(s) that disrupt this residue have been observed in individuals with COMP-related conditions (PMID: 7670471), which suggests that this may be a clinically significant amino acid residue. Advanced modeling of protein sequence and biophysical properties (such as structural, functional, and spatial information, amino acid conservation, physicochemical variation, residue mobility, and thermodynamic stability) performed at Invitae indicates that this missense variant is expected to disrupt COMP protein function. This missense change has been observed in individual(s) with clinical features of COMP-related conditions (Invitae). In at least one individual the variant was observed to be de novo. This variant is not present in population databases (gnomAD no frequency). This sequence change replaces cysteine, which is neutral and slightly polar, with arginine, which is basic and polar, at codon 468 of the COMP protein (p.Cys468Arg).

Literature cited by the submitters: PubMed 7670471.

NM_000095.3(COMP):c.1402T>C (p.Cys468Arg)

Gene: COMP (cartilage oligomeric matrix protein; minus strand). Cytogenetic location: 19p13.11.
Variant type: single nucleotide variant.
Coding change: c.1402T>C on transcript NM_000095.3 (MANE Select); coding-DNA position 1402, T replaced by C.
Protein change: p.Cys468Arg; replaces cysteine 468 with arginine.
Molecular consequence: missense variant.
Genome position (GRCh38, 1-based): chr19:18,786,052, A>G on the plus strand (T>C on the coding strand, the complement: COMP is on the minus strand). VCF-style: chr19-18786052-A-G. GRCh37 (hg19) VCF-style: chr19-18896862-A-G.
Other names: short protein forms C468R.
Identifiers: ClinVar variation 2862149 (VCV002862149.3), dbSNP rs2512847535, ClinGen allele CA404884659.
Genomic context (GRCh38, chr19:18,786,052, plus strand): 5'-GCACCAGGCGGCAGTTGTCCCGACTGTCAGGGACTCCGTCATTGTCGTCGTCGTCGTCGC[A>G]GGCATCACCCTGGCCATCGTGGTCTGAGTCCTCCTGGGCACTGTTAGGCACCGTGGGACA-3'
Protein context (NP_000086.2, residues 458-478): DSDHDGQGDA[Cys468Arg]DDDDDNDGVP